The following is an entry in ClinVar:

NM_025233.7(COASY):c.1486-5C>G

Gene: COASY (Coenzyme A synthase; plus strand). Cytogenetic location: 17q21.2.
Variant type: single nucleotide variant.
Coding change: c.1486-5C>G on transcript NM_025233.7 (MANE Select); 5 bases into the intron before coding-DNA position 1486, C replaced by G.
Molecular consequence: intron variant.
Genome position (GRCh38, 1-based): chr17:42,565,654, C>G. VCF-style: chr17-42565654-C-G. GRCh37 (hg19) VCF-style: chr17-40717672-C-G.
Other names: p.?; c.1573-5C>G (NM_001042532.4); c.1486-5C>G (NM_001042529.3).
Identifiers: ClinVar variation 380441 (VCV000380441.17), dbSNP rs74886553, ClinGen allele CA8578371.
Genomic context (GRCh38, chr17:42,565,654, plus strand): 5'-TCCCTACTGCAGATCCTATCCTGTGAGCTGGAATTCTTCCTGACAAATGTCTCGTCTGTG[C>G]TCAGGCTGTAAGACGCATTGTGGAGAGGGATGGCCTCAGTGAAGCCGCGGCTCAAAGCCG-3'

ClinVar aggregate classification (germline): Benign. Review status: criteria provided, multiple submitters, no conflicts (2 of 4 stars). 7 submissions from 7 submitters: Benign (4). 3 of the submissions do not count toward it. Last evaluated 2026-02-04.

Conditions:
COASY-related disorder. Also called: COASY-related condition.
Neurodegeneration with brain iron accumulation 6 (NBIA6). Also called: COASY protein-associated neurodegeneration. Identifiers: Orphanet 397725, MedGen C4517377, MONDO:0014290, OMIM 615643.

Allele frequency attached by ClinVar (database versions not stated): 1000 Genomes Project 30x 0.02592; TOPMed 0.04282; 1000 Genomes Project 0.02496; ESP Exome Variant Server 0.04798; gnomAD 0.04354.
gnomAD v4.1: 89,489 of 1,614,024 alleles (5.5%); highest among the groups gnomAD compares: Non-Finnish European, 6.3%; 2,875 homozygotes.

Submissions 1 to 30 of 70:

Labcorp Genetics (formerly Invitae), Labcorp
Classification: Benign for Neurodegeneration with brain iron accumulation 6. Last evaluated: 2026-02-04. Review status: criteria provided, single submitter. Criteria: Invitae Variant Classification Sherloc (09022015). Collection method: clinical testing. Allele origin: germline.

Mayo Clinic Laboratories, Mayo Clinic
Classification: Benign. Last evaluated: 2022-10-27. Review status: criteria provided, single submitter. Criteria: ACMG Guidelines, 2015. Collection method: clinical testing. Allele origin: germline. Observed: 24 variant alleles.

GeneDx
Classification: Benign. Last evaluated: 2016-01-29. Review status: criteria provided, single submitter. Criteria: GeneDx Variant Classification (06012015). Collection method: clinical testing. Allele origin: germline. Affected: yes.
Comment: This variant is considered likely benign or benign based on one or more of the following criteria: it is a conservative change, it occurs at a poorly conserved position in the protein, it is predicted to be benign by multiple in silico algorithms, and/or has population frequency not consistent with disease.

Breakthrough Genomics
Classification: Benign. Review status: criteria provided, single submitter. Criteria: ACMG Guidelines, 2015. Collection method: not provided. Allele origin: germline. Inheritance: Autosomal recessive inheritance. Affected: yes.

PreventionGenetics, part of Exact Sciences
Classification: Benign for COASY-related condition. Last evaluated: 2021-11-29. Review status: no assertion criteria provided. Collection method: clinical testing. Allele origin: germline. Not counted in ClinVar's aggregate classification.
Comment: This variant is classified as benign based on ACMG/AMP sequence variant interpretation guidelines (Richards et al. 2015 PMID: 25741868, with internal and published modifications).

Clinical Genetics DNA and cytogenetics Diagnostics Lab, Erasmus MC, Erasmus Medical Center
Classification: Benign. Review status: no assertion criteria provided. Collection method: clinical testing. Allele origin: germline. Affected: yes. Study: VKGL Data-share Consensus. Not counted in ClinVar's aggregate classification.

Dr. Peter K. Rogan Lab, Western University
No classification provided (evidence only). Condition: Colorectal cancer. Review status: no classification provided. Collection method: in vitro. Allele origin: not applicable. Functional consequence: skipped exon, retained intron. Not counted in ClinVar's aggregate classification.

Dr. Peter K. Rogan Lab, Western University
No classification provided (evidence only). Condition: Colorectal cancer. Review status: no classification provided. Collection method: in vitro. Allele origin: not applicable. Functional consequence: retained intron. Not counted in ClinVar's aggregate classification.

Dr. Peter K. Rogan Lab, Western University
No classification provided (evidence only). Condition: Colorectal cancer. Review status: no classification provided. Collection method: in vitro. Allele origin: not applicable. Functional consequence: retained intron. Not counted in ClinVar's aggregate classification.

Dr. Peter K. Rogan Lab, Western University
No classification provided (evidence only). Condition: Colorectal cancer. Review status: no classification provided. Collection method: in vitro. Allele origin: not applicable. Functional consequence: retained intron. Not counted in ClinVar's aggregate classification.

Dr. Peter K. Rogan Lab, Western University
No classification provided (evidence only). Condition: Colorectal cancer. Review status: no classification provided. Collection method: in vitro. Allele origin: not applicable. Functional consequence: retained intron. Not counted in ClinVar's aggregate classification.

Dr. Peter K. Rogan Lab, Western University
No classification provided (evidence only). Condition: Colorectal cancer. Review status: no classification provided. Collection method: in vitro. Allele origin: not applicable. Functional consequence: retained intron. Not counted in ClinVar's aggregate classification.

Dr. Peter K. Rogan Lab, Western University
No classification provided (evidence only). Condition: Colorectal cancer. Review status: no classification provided. Collection method: in vitro. Allele origin: not applicable. Functional consequence: retained intron. Not counted in ClinVar's aggregate classification.

Dr. Peter K. Rogan Lab, Western University
No classification provided (evidence only). Condition: Colorectal cancer. Review status: no classification provided. Collection method: in vitro. Allele origin: not applicable. Functional consequence: retained intron. Not counted in ClinVar's aggregate classification.

Dr. Peter K. Rogan Lab, Western University
No classification provided (evidence only). Condition: Colorectal cancer. Review status: no classification provided. Collection method: in vitro. Allele origin: not applicable. Functional consequence: retained intron. Not counted in ClinVar's aggregate classification.

Dr. Peter K. Rogan Lab, Western University
No classification provided (evidence only). Condition: Uterine corpus endometrial carcinoma. Review status: no classification provided. Collection method: in vitro. Allele origin: not applicable. Functional consequence: retained intron. Not counted in ClinVar's aggregate classification.

Dr. Peter K. Rogan Lab, Western University
No classification provided (evidence only). Condition: Uterine corpus endometrial carcinoma. Review status: no classification provided. Collection method: in vitro. Allele origin: not applicable. Functional consequence: retained intron. Not counted in ClinVar's aggregate classification.

Dr. Peter K. Rogan Lab, Western University
No classification provided (evidence only). Condition: Uterine corpus endometrial carcinoma. Review status: no classification provided. Collection method: in vitro. Allele origin: not applicable. Functional consequence: retained intron. Not counted in ClinVar's aggregate classification.

Dr. Peter K. Rogan Lab, Western University
No classification provided (evidence only). Condition: Uterine corpus endometrial carcinoma. Review status: no classification provided. Collection method: in vitro. Allele origin: not applicable. Functional consequence: retained intron. Not counted in ClinVar's aggregate classification.

Dr. Peter K. Rogan Lab, Western University
No classification provided (evidence only). Condition: Uterine corpus endometrial carcinoma. Review status: no classification provided. Collection method: in vitro. Allele origin: not applicable. Functional consequence: retained intron. Not counted in ClinVar's aggregate classification.

Dr. Peter K. Rogan Lab, Western University
No classification provided (evidence only). Condition: Uterine corpus endometrial carcinoma. Review status: no classification provided. Collection method: in vitro. Allele origin: not applicable. Functional consequence: retained intron. Not counted in ClinVar's aggregate classification.

Dr. Peter K. Rogan Lab, Western University
No classification provided (evidence only). Condition: Uterine corpus endometrial carcinoma. Review status: no classification provided. Collection method: in vitro. Allele origin: not applicable. Functional consequence: retained intron. Not counted in ClinVar's aggregate classification.

Dr. Peter K. Rogan Lab, Western University
No classification provided (evidence only). Condition: Uterine corpus endometrial carcinoma. Review status: no classification provided. Collection method: in vitro. Allele origin: not applicable. Functional consequence: retained intron. Not counted in ClinVar's aggregate classification.

Dr. Peter K. Rogan Lab, Western University
No classification provided (evidence only). Condition: Uterine corpus endometrial carcinoma. Review status: no classification provided. Collection method: in vitro. Allele origin: not applicable. Functional consequence: retained intron. Not counted in ClinVar's aggregate classification.

Dr. Peter K. Rogan Lab, Western University
No classification provided (evidence only). Condition: Uterine corpus endometrial carcinoma. Review status: no classification provided. Collection method: in vitro. Allele origin: not applicable. Functional consequence: retained intron. Not counted in ClinVar's aggregate classification.

Dr. Peter K. Rogan Lab, Western University
No classification provided (evidence only). Condition: Malignant lymphoma, large B-cell, diffuse. Review status: no classification provided. Collection method: in vitro. Allele origin: not applicable. Functional consequence: retained intron. Not counted in ClinVar's aggregate classification.

Dr. Peter K. Rogan Lab, Western University
No classification provided (evidence only). Condition: Malignant lymphoma, large B-cell, diffuse. Review status: no classification provided. Collection method: in vitro. Allele origin: not applicable. Functional consequence: retained intron. Not counted in ClinVar's aggregate classification.

Dr. Peter K. Rogan Lab, Western University
No classification provided (evidence only). Condition: Malignant lymphoma, large B-cell, diffuse. Review status: no classification provided. Collection method: in vitro. Allele origin: not applicable. Functional consequence: retained intron. Not counted in ClinVar's aggregate classification.

Dr. Peter K. Rogan Lab, Western University
No classification provided (evidence only). Condition: Malignant lymphoma, large B-cell, diffuse. Review status: no classification provided. Collection method: in vitro. Allele origin: not applicable. Functional consequence: retained intron. Not counted in ClinVar's aggregate classification.

Dr. Peter K. Rogan Lab, Western University
No classification provided (evidence only). Condition: Nonpapillary renal cell carcinoma. Review status: no classification provided. Collection method: in vitro. Allele origin: not applicable. Functional consequence: retained intron. Not counted in ClinVar's aggregate classification.